The following is an entry in ClinVar:

ClinVar aggregate classification (germline): Uncertain significance. Review status: criteria provided, multiple submitters, no conflicts (2 of 4 stars). 2 submissions from 2 submitters: Uncertain significance (2). Last evaluated 2025-01-08.

Conditions:
Rhabdoid tumor predisposition syndrome 2 (RTPS2). Identifiers: Orphanet 231108, Orphanet 69077, MedGen C2750074, MONDO:0013224, OMIM 613325.

gnomAD v4.1: 2 of 1,613,584 alleles (0.00012%); highest among the groups gnomAD compares: South Asian, 0.0011%; no homozygotes.

Submissions (2):

GeneDx
Classification: Uncertain significance. Last evaluated: 2025-01-08. Review status: criteria provided, single submitter. Criteria: GeneDx Variant Classification Process June 2021. Collection method: clinical testing. Allele origin: germline. Affected: yes.
Comment: Not observed at significant frequency in large population cohorts (gnomAD); In silico analysis supports that this missense variant has a deleterious effect on protein structure/function; Has not been previously published as pathogenic or benign to our knowledge

Labcorp Genetics (formerly Invitae), Labcorp
Classification: Uncertain significance for Rhabdoid tumor predisposition syndrome 2. Last evaluated: 2024-09-24. Review status: criteria provided, single submitter. Criteria: Invitae Variant Classification Sherloc (09022015). Collection method: clinical testing. Allele origin: germline.
Comment: This sequence change replaces arginine, which is basic and polar, with glycine, which is neutral and non-polar, at codon 417 of the SMARCA4 protein (p.Arg417Gly). This variant is not present in population databases (gnomAD no frequency). This variant has not been reported in the literature in individuals affected with SMARCA4-related conditions. Invitae Evidence Modeling of protein sequence and biophysical properties (such as structural, functional, and spatial information, amino acid conservation, physicochemical variation, residue mobility, and thermodynamic stability) has been performed for this missense variant. However, the output from this modeling did not meet the statistical confidence thresholds required to predict the impact of this variant on SMARCA4 protein function. In summary, the available evidence is currently insufficient to determine the role of this variant in disease. Therefore, it has been classified as a Variant of Uncertain Significance.

NM_003072.5(SMARCA4):c.1249C>G (p.Arg417Gly)

Gene: SMARCA4 (SWI/SNF related BAF chromatin remodeling complex subunit ATPase 4; plus strand). Cytogenetic location: 19p13.2.
Variant type: single nucleotide variant.
Coding change: c.1249C>G on transcript NM_003072.5 (MANE Select); coding-DNA position 1249, C replaced by G.
Protein change: p.Arg417Gly; replaces arginine 417 with glycine.
Molecular consequence: missense variant. On other transcripts: non-coding transcript variant (1).
Genome position (GRCh38, 1-based): chr19:10,991,153, C>G. VCF-style: chr19-10991153-C-G. GRCh37 (hg19) VCF-style: chr19-11101829-C-G.
Other names: c.1249C>G, p.Arg417Gly (NM_001128844.3, NM_001128845.2, NM_001128846.2 and 6 more transcripts); c.1249C>G (NM_001128849.1); short protein forms R417G.
Identifiers: ClinVar variation 3636848 (VCV003636848.3).